The following is an entry in ClinVar:

NM_025137.4(SPG11):c.3189T>G (p.Ile1063Met)

Gene: SPG11 (SPG11 vesicle trafficking associated, spatacsin; minus strand). Cytogenetic location: 15q21.1.
Variant type: single nucleotide variant.
Coding change: c.3189T>G on transcript NM_025137.4 (MANE Select); coding-DNA position 3189, T replaced by G.
Protein change: p.Ile1063Met; replaces isoleucine 1063 with methionine.
Molecular consequence: missense variant.
Genome position (GRCh38, 1-based): chr15:44,610,942, A>C on the plus strand (T>G on the coding strand, the complement: SPG11 is on the minus strand). VCF-style: chr15-44610942-A-C. GRCh37 (hg19) VCF-style: chr15-44903140-A-C.
Other names: c.3189T>G, p.Ile1063Met (NM_001160227.2); short protein forms I1063M.
Identifiers: ClinVar variation 466519 (VCV000466519.6), dbSNP rs1196874771, ClinGen allele CA392227061.

ClinVar aggregate classification (germline): Uncertain significance (1 of 4 stars; one submission).

Conditions:
Hereditary spastic paraplegia 11. Also called: SPASTIC PARAPLEGIA, AUTOSOMAL RECESSIVE, COMPLICATED, WITH THIN CORPUS CALLOSUM; SPASTIC PARAPLEGIA, AUTOSOMAL RECESSIVE, WITH MENTAL IMPAIRMENT AND THIN CORPUS CALLOSUM; Nakamura Osame syndrome; Autosomal recessive hereditary spastic paraplegia, mental impairment, and thin corpus callosum; Spastic paraplegia, mental retardation and thin corpus callosum; Spastic Paraplegia 11. Identifiers: Orphanet 2822, MedGen C1858479, MONDO:0011445, OMIM 604360.

Allele frequency attached by ClinVar (database versions not stated): gnomAD exomes below 0.00001; gnomAD 0.00003 and 0.00004; TOPMed 0.00003.
gnomAD v4.1: 11 of 1,613,930 alleles (0.00068%); highest among the groups gnomAD compares: African/African-American, 0.015%; no homozygotes.

Submission:

Labcorp Genetics (formerly Invitae), Labcorp
Classification: Uncertain significance for Hereditary spastic paraplegia 11. Last evaluated: 2023-09-18. Review status: criteria provided, single submitter. Criteria: Invitae Variant Classification Sherloc (09022015). Collection method: clinical testing. Allele origin: germline.
Comment: This sequence change replaces isoleucine, which is neutral and non-polar, with methionine, which is neutral and non-polar, at codon 1063 of the SPG11 protein (p.Ile1063Met). This variant is present in population databases (no rsID available, gnomAD 0.007%). This variant has not been reported in the literature in individuals affected with SPG11-related conditions. ClinVar contains an entry for this variant (Variation ID: 466519). Advanced modeling of protein sequence and biophysical properties (such as structural, functional, and spatial information, amino acid conservation, physicochemical variation, residue mobility, and thermodynamic stability) performed at Invitae indicates that this missense variant is not expected to disrupt SPG11 protein function. In summary, the available evidence is currently insufficient to determine the role of this variant in disease. Therefore, it has been classified as a Variant of Uncertain Significance.